The following is an entry in ClinVar:

ClinVar aggregate classification (germline): Benign/Likely benign. Review status: criteria provided, multiple submitters, no conflicts (2 of 4 stars). 3 submissions from 3 submitters: Benign (1); Likely benign (2). Last evaluated 2026-08-18.

Conditions:
DICER1-related tumor predisposition. Also called: DICER1 syndrome; DICER1-related pleuropulmonary blastoma cancer predisposition syndrome. Identifiers: Orphanet 284343, MedGen C3839822, MONDO:0100216.
Hereditary cancer-predisposing syndrome. Also called: Hereditary Cancer Syndrome; Tumor predisposition; Hereditary neoplastic syndrome; Neoplastic Syndromes, Hereditary. Identifiers: Orphanet 140162, MedGen C0027672, MeSH D009386, MONDO:0015356.

Allele frequency attached by ClinVar (database versions not stated): 1000 Genomes Project 30x 0.00016; 1000 Genomes Project 0.00020; gnomAD 0.00001.
gnomAD v4.1: 6 of 1,614,168 alleles (0.00037%); highest among the groups gnomAD compares: South Asian, 0.0066%; no homozygotes.

Submissions (3):

Myriad Genetics, Inc.
Classification: Benign for DICER1-related tumor predisposition. Last evaluated: 2026-08-18. Review status: criteria provided, single submitter. Criteria: Myriad Autosomal Dominant, Autosomal Recessive and X-Linked Classification Criteria (2023). Collection method: clinical testing. Allele origin: unknown.
Comment: This variant is considered benign. This variant is a silent/synonymous amino acid change and it is not expected to impact splicing.

Labcorp Genetics (formerly Invitae), Labcorp
Classification: Likely benign for DICER1-related tumor predisposition. Last evaluated: 2025-02-27. Review status: criteria provided, single submitter. Criteria: Invitae Variant Classification Sherloc (09022015). Collection method: clinical testing. Allele origin: germline.

Ambry Genetics
Classification: Likely benign for Hereditary cancer-predisposing syndrome. Last evaluated: 2019-10-17. Review status: criteria provided, single submitter. Criteria: Ambry Variant Classification Scheme 2023. Collection method: clinical testing. Allele origin: germline.

NM_177438.3(DICER1):c.4755A>G (p.Ser1585=)

Gene: DICER1 (dicer 1, ribonuclease III; minus strand). Cytogenetic location: 14q32.13.
Variant type: single nucleotide variant.
Coding change: c.4755A>G on transcript NM_177438.3 (MANE Select); coding-DNA position 4755, A replaced by G.
Protein change: p.Ser1585=; no amino-acid change (serine 1585 retained).
Molecular consequence: synonymous variant.
Genome position (GRCh38, 1-based): chr14:95,096,165, T>C on the plus strand (A>G on the coding strand, the complement: DICER1 is on the minus strand). VCF-style: chr14-95096165-T-C. GRCh37 (hg19) VCF-style: chr14-95562502-T-C.
Other names: c.4755A>G, p.Ser1585= (NM_030621.4, NM_001195573.1, NM_001271282.3 and 1 more transcripts).
Identifiers: ClinVar variation 242119 (VCV000242119.16), dbSNP rs555975437, ClinGen allele CA7330805.